The following is an entry in ClinVar:

ClinVar aggregate classification (germline): Uncertain significance (1 of 4 stars; one submission).

Conditions:
Hereditary cancer-predisposing syndrome. Also called: Tumor predisposition; Neoplastic Syndromes, Hereditary; Hereditary neoplastic syndrome; Hereditary Cancer Syndrome. Identifiers: Orphanet 140162, MedGen C0027672, MeSH D009386, MONDO:0015356.

Submission:

Ambry Genetics
Classification: Uncertain significance for Hereditary cancer-predisposing syndrome. Last evaluated: 2025-08-27. Review status: criteria provided, single submitter. Criteria: Ambry Variant Classification Scheme 2023. Collection method: clinical testing. Allele origin: germline.
Comment: The p.W409L variant (also known as c.1226G>T), located in coding exon 13 of the MUTYH gene, results from a G to T substitution at nucleotide position 1226. The tryptophan at codon 409 is replaced by leucine, an amino acid with similar properties. This amino acid position is conserved. In addition, this alteration is predicted to be tolerated by in silico analysis. Based on the available evidence, the clinical significance of this variant remains unclear.

NM_001048174.2(MUTYH):c.1142G>T (p.Trp381Leu)

Gene: MUTYH (mutY DNA glycosylase; minus strand). Cytogenetic location: 1p34.1.
Variant type: single nucleotide variant.
Coding change: c.1142G>T on transcript NM_001048174.2 (MANE Select); coding-DNA position 1142, G replaced by T.
Protein change: p.Trp381Leu; replaces tryptophan 381 with leucine.
Molecular consequence: missense variant. On other transcripts: non-coding transcript variant (7).
Genome position (GRCh38, 1-based): chr1:45,331,517, C>A on the plus strand (G>T on the coding strand, the complement: MUTYH is on the minus strand). VCF-style: chr1-45331517-C-A. GRCh37 (hg19) VCF-style: chr1-45797189-C-A.
Other names: c.866G>T, p.Trp289Leu (NM_001293192.2, NM_001293196.2, NM_001407091.1); c.1142G>T, p.Trp381Leu (NM_001293195.2, NM_001407070.1, NM_001407072.1 and 6 more transcripts); c.797G>T, p.Trp266Leu (NM_001350650.2, NM_001350651.2, NM_001407082.1); c.1175G>T, p.Trp392Leu (NM_001407069.1, NM_001293191.2, NM_001407077.1); c.1145G>T, p.Trp382Leu (NM_001407071.1, NM_001407086.1, NM_001048172.2 and 1 more transcripts); c.1163G>T, p.Trp388Leu (NM_001407087.1); c.1217G>T, p.Trp406Leu (NM_012222.3); c.1226G>T, p.Trp409Leu (NM_001128425.2); and 5 more; short protein forms W266L, W289L, W353L, W382L, W368L, W388L, W392L, W406L.
Identifiers: ClinVar variation 4113097 (VCV004113097.1).